The following is an entry in ClinVar:

NM_002878.4(RAD51D):c.263+1467T>C

Genes: RAD51D (RAD51 paralog D; minus strand), RAD51L3-RFFL (RAD51L3-RFFL readthrough; minus strand). Cytogenetic location: 17q12.
Variant type: single nucleotide variant.
Coding change: c.263+1467T>C on transcript NM_002878.4 (MANE Select); 1467 bases into the intron after coding-DNA position 263, T replaced by C.
Molecular consequence: intron variant. On other transcripts: missense variant (1).
Genome position (GRCh38, 1-based): chr17:35,117,034, A>G on the plus strand (T>C on the coding strand, the complement: RAD51D is on the minus strand). VCF-style: chr17-35117034-A-G. GRCh37 (hg19) VCF-style: chr17-33444053-A-G.
Other names: c.148T>C, p.Trp50Arg (NM_001142571.2); c.144+2077T>C (NM_133629.3); short protein forms W50R.
Identifiers: ClinVar variation 5027833 (VCV005027833.1).

ClinVar aggregate classification (germline): Uncertain significance (1 of 4 stars; one submission).

Conditions:
Hereditary cancer-predisposing syndrome. Also called: Neoplastic Syndromes, Hereditary; Tumor predisposition; Hereditary neoplastic syndrome; Hereditary Cancer Syndrome. Identifiers: Orphanet 140162, MedGen C0027672, MeSH D009386, MONDO:0015356.

gnomAD v4.1: 8 of 1,610,636 alleles (0.0005%); highest among the groups gnomAD compares: Non-Finnish European, 0.00068%; no homozygotes.

Submission:

Ambry Genetics
Classification: Uncertain significance for Hereditary cancer-predisposing syndrome. Last evaluated: 2026-07-06. Review status: criteria provided, single submitter. Criteria: Ambry Variant Classification Scheme 2023. Collection method: clinical testing. Allele origin: germline.
Comment: The p.W50R variant (also known as c.148T>C), located in coding exon 3 of the RAD51D gene, results from a T to C substitution at nucleotide position 148. The tryptophan at codon 50 is replaced by arginine, an amino acid with dissimilar properties. This amino acid position is conserved. In addition, this alteration is predicted to be tolerated by in silico analysis. Based on the available evidence, the clinical significance of this variant remains unclear.